The following is an entry in ClinVar:

ClinVar aggregate classification (germline): Benign. Review status: criteria provided, single submitter (1 of 4 stars). 2 submissions from 2 submitters: Benign (1). 1 of the submissions does not count toward it. Last evaluated 2020-02-27.

Conditions:
ALPK2-related disorder. Also called: ALPK2-related condition.

Submissions (2):

Ambry Genetics
Classification: Benign. Last evaluated: 2020-02-27. Review status: criteria provided, single submitter. Criteria: Ambry Variant Classification Scheme 2023. Collection method: clinical testing. Allele origin: germline.

PreventionGenetics, part of Exact Sciences
Classification: Benign for ALPK2-related condition. Last evaluated: 2019-02-19. Review status: no assertion criteria provided. Collection method: clinical testing. Allele origin: germline. Not counted in ClinVar's aggregate classification.
Comment: This variant is classified as benign based on ACMG/AMP sequence variant interpretation guidelines (Richards et al. 2015 PMID: 25741868, with internal and published modifications).

NM_052947.4(ALPK2):c.3017_3031del (p.Glu1006_Thr1010del)

Gene: ALPK2 (alpha kinase 2; minus strand). Cytogenetic location: 18q21.31.
Variant type: Deletion.
Coding change: c.3017_3031del on transcript NM_052947.4 (MANE Select); coding-DNA positions 3017 to 3031, 15 bases deleted (AGGACACATCAACTG).
Protein change: p.Glu1006_Thr1010del.
Molecular consequence: inframe deletion.
Genome position (GRCh38, 1-based): chr18:58,537,156-58,537,170, CAGTTGATGTGTCCT deleted on the plus strand (AGGACACATCAACTG on the coding strand, the reverse complement: ALPK2 is on the minus strand); deleting any 15 consecutive bases within chr18:58,537,156-58,537,174 gives the same sequence; the c. name uses the placement nearest the transcript's 3' end. VCF-style (leftmost placement, unchanged base first): chr18-58537155-ACAGTTGATGTGTCCT-A. GRCh37 (hg19) VCF-style: chr18-56204387-ACAGTTGATGTGTCCT-A.
Identifiers: ClinVar variation 1798865 (VCV001798865.4), dbSNP rs67925233, ClinGen allele CA8976972.